The following is an entry in ClinVar:

NM_000219.6(KCNE1):c.224A>C (p.Asn75Thr)

Gene: KCNE1 (potassium voltage-gated channel subfamily E regulatory subunit 1; minus strand). Cytogenetic location: 21q22.12.
Variant type: single nucleotide variant.
Coding change: c.224A>C on transcript NM_000219.6 (MANE Select); coding-DNA position 224, A replaced by C.
Protein change: p.Asn75Thr; replaces asparagine 75 with threonine.
Molecular consequence: missense variant.
Genome position (GRCh38, 1-based): chr21:34,449,411, T>G on the plus strand (A>C on the coding strand, the complement: KCNE1 is on the minus strand). VCF-style: chr21-34449411-T-G. GRCh37 (hg19) VCF-style: chr21-35821709-T-G.
Other names: c.224A>C, p.Asn75Thr (NM_001127668.4, NM_001127669.4, NM_001127670.4 and 4 more transcripts); short protein forms N75T.
Identifiers: ClinVar variation 3374368 (VCV003374368.2).

Conditions:
Long QT syndrome 5 (LQT5). Identifiers: Orphanet 101016, Orphanet 768, MedGen C1867904, MONDO:0013372, OMIM 613695.

Submission:

Roden Lab, Vanderbilt University Medical Center
No classification provided (evidence only). Condition: Long QT syndrome 5. Review status: no classification provided. Collection method: in vitro. Allele origin: not applicable. Functional consequence: Effect on ion channel function.
ClinVar note: "not provided" was previously submitted as the classification for the variant. However, the classification appeared to be based only on an observation of functional data so it was converted to no classification on 2025-07-30.